The following is an entry in ClinVar:

NM_002860.4(ALDH18A1):c.565G>C (p.Val189Leu)

Gene: ALDH18A1 (aldehyde dehydrogenase 18 family member A1; minus strand). Cytogenetic location: 10q24.1.
Variant type: single nucleotide variant.
Coding change: c.565G>C on transcript NM_002860.4 (MANE Select); coding-DNA position 565, G replaced by C.
Protein change: p.Val189Leu; replaces valine 189 with leucine.
Molecular consequence: missense variant. On other transcripts: 5 prime UTR variant (1).
Genome position (GRCh38, 1-based): chr10:95,633,643, C>G on the plus strand (G>C on the coding strand, the complement: ALDH18A1 is on the minus strand). VCF-style: chr10-95633643-C-G. GRCh37 (hg19) VCF-style: chr10-97393400-C-G.
Other names: c.565G>C, p.Val189Leu (NM_001017423.2, NM_001323413.2, NM_001323414.2 and 1 more transcripts); c.232G>C, p.Val78Leu (NM_001323412.2, NM_001323416.2, NM_001323418.2); c.460G>C, p.Val154Leu (NM_001323417.2); c.-72G>C (NM_001323419.2); short protein forms V154L, V189L, V78L.
Identifiers: ClinVar variation 2944221 (VCV002944221.3), dbSNP rs2526874318, ClinGen allele CA377705505.

ClinVar aggregate classification (germline): Uncertain significance (1 of 4 stars; one submission).

Conditions:
Cutis laxa, autosomal dominant 3 (ADCL3). Identifiers: Orphanet 90348, MedGen C4225268, MONDO:0014706, OMIM 616603.
Autosomal dominant spastic paraplegia type 9. Identifiers: MedGen C1832669, MONDO:0015091.
de Barsy syndrome. Also called: Cutis laxa-corneal clouding-oligophrenia syndrome. Identifiers: Orphanet 2962, MedGen C0268354, MONDO:0017569.

Submission:

Labcorp Genetics (formerly Invitae), Labcorp
Classification: Uncertain significance for Autosomal dominant spastic paraplegia type 9; de Barsy syndrome; Cutis laxa, autosomal dominant 3. Last evaluated: 2023-02-13. Review status: criteria provided, single submitter. Criteria: Invitae Variant Classification Sherloc (09022015). Collection method: clinical testing. Allele origin: germline.
Comment: This sequence change replaces valine, which is neutral and non-polar, with leucine, which is neutral and non-polar, at codon 189 of the ALDH18A1 protein (p.Val189Leu). This variant is not present in population databases (gnomAD no frequency). This variant has not been reported in the literature in individuals affected with ALDH18A1-related conditions. Advanced modeling of protein sequence and biophysical properties (such as structural, functional, and spatial information, amino acid conservation, physicochemical variation, residue mobility, and thermodynamic stability) performed at Invitae indicates that this missense variant is not expected to disrupt ALDH18A1 protein function. In summary, the available evidence is currently insufficient to determine the role of this variant in disease. Therefore, it has been classified as a Variant of Uncertain Significance.